The following is an entry in ClinVar:

ClinVar aggregate classification (germline): Uncertain significance. Review status: criteria provided, multiple submitters, no conflicts (2 of 4 stars). 2 submissions from 2 submitters: Uncertain significance (2). Last evaluated 2022-09-29.

gnomAD v4.1: 2 of 1,613,738 alleles (0.00012%); highest among the groups gnomAD compares: Non-Finnish European, 0.00017%; no homozygotes.

Submissions (2):

Blueprint Genetics
Classification: Uncertain significance. Last evaluated: 2022-09-29. Review status: criteria provided, single submitter. Criteria: ACMG Guidelines, 2015. Collection method: clinical testing. Allele origin: germline.

Labcorp Genetics (formerly Invitae), Labcorp
Classification: Uncertain significance. Last evaluated: 2020-02-12. Review status: criteria provided, single submitter. Criteria: Invitae Variant Classification Sherloc (09022015). Collection method: clinical testing. Allele origin: germline.
Comment: Algorithms developed to predict the effect of missense changes on protein structure and function (SIFT, PolyPhen-2, Align-GVGD) all suggest that this variant is likely to be tolerated, but these predictions have not been confirmed by published functional studies and their clinical significance is uncertain. Algorithms developed to predict the effect of sequence changes on RNA splicing suggest that this variant may create or strengthen a splice site, but this prediction has not been confirmed by published transcriptional studies. In summary, the available evidence is currently insufficient to determine the role of this variant in disease. Therefore, it has been classified as a Variant of Uncertain Significance. This variant has not been reported in the literature in individuals with IDH3A-related conditions. This sequence change replaces glutamine with proline at codon 72 of the IDH3A protein (p.Gln72Pro). The glutamine residue is moderately conserved and there is a moderate physicochemical difference between glutamine and proline. This variant is not present in population databases (ExAC no frequency).

NM_005530.3(IDH3A):c.215A>C (p.Gln72Pro)

Gene: IDH3A (isocitrate dehydrogenase (NAD(+)) 3 catalytic subunit alpha; plus strand). Cytogenetic location: 15q25.1.
Variant type: single nucleotide variant.
Coding change: c.215A>C on transcript NM_005530.3 (MANE Select); coding-DNA position 215, A replaced by C.
Protein change: p.Gln72Pro; replaces glutamine 72 with proline.
Molecular consequence: missense variant.
Genome position (GRCh38, 1-based): chr15:78,160,132, A>C. VCF-style: chr15-78160132-A-C. GRCh37 (hg19) VCF-style: chr15-78452474-A-C.
Other names: short protein forms Q72P.
Identifiers: ClinVar variation 1055645 (VCV001055645.10), dbSNP rs2141948059, ClinGen allele CA393541354.
Genomic context (GRCh38, chr15:78,160,132, plus strand): 5'-CTCTGTGATGTGGCATCTAGGCACCTATTCAGTGGGAGGAGCGGAACGTCACTGCCATTC[A>C]AGGACCTGGAGGAAAGTGGATGATCCCTTCAGAGGCTAAAGAGTCCATGGATAAGAACAA-3'
Protein context (NP_005521.1, residues 62-82): QWEERNVTAI[Gln72Pro]GPGGKWMIPS